The following is an entry in ClinVar:

NM_005026.5(PIK3CD):c.2705G>A (p.Arg902Gln)

Gene: PIK3CD (phosphatidylinositol-4,5-bisphosphate 3-kinase catalytic subunit delta; plus strand). Cytogenetic location: 1p36.22.
Variant type: single nucleotide variant.
Coding change: c.2705G>A on transcript NM_005026.5 (MANE Select); coding-DNA position 2705, G replaced by A.
Protein change: p.Arg902Gln; replaces arginine 902 with glutamine.
Molecular consequence: missense variant.
Genome position (GRCh38, 1-based): chr1:9,724,079, G>A. VCF-style: chr1-9724079-G-A. GRCh37 (hg19) VCF-style: chr1-9784137-G-A.
Other names: c.2705G>A (NM_005026.3); c.2702G>A, p.Arg901Gln (NM_001350234.2); c.2618G>A, p.Arg873Gln (NM_001350235.1); short protein forms R902Q, R873Q, R901Q.
Identifiers: ClinVar variation 1522290 (VCV001522290.7), dbSNP rs202142608, ClinGen allele CA17784497.

ClinVar aggregate classification (germline): Uncertain significance. Review status: criteria provided, multiple submitters, no conflicts (2 of 4 stars). 2 submissions from 2 submitters: Uncertain significance (2). Last evaluated 2025-06-18.

Conditions:
PIK3CD-related disorder. Also called: PIK3CD-related condition.
Immunodeficiency 14 (IMD14A). Also called: ACTIVATED PI3K-DELTA SYNDROME 1; Activated PI3K Delta Syndrome Type 1 (APDS1); p110-DELTA-ACTIVATING MUTATION CAUSING SENESCENT T CELLS, LYMPHADENOPATHY, AND IMMUNODEFICIENCY; IMMUNODEFICIENCY 14A WITH LYMPHOPROLIFERATION, AUTOSOMAL DOMINANT. Identifiers: Orphanet 397596, Orphanet 693661, MedGen C5907821, MONDO:0014222, OMIM 615513.

Allele frequency attached by ClinVar (database versions not stated): gnomAD exomes below 0.00001; TOPMed 0.00002.
gnomAD v4.1: 5 of 1,614,184 alleles (0.00031%); highest among the groups gnomAD compares: South Asian, 0.0011%; no homozygotes.

Submissions (2):

Labcorp Genetics (formerly Invitae), Labcorp
Classification: Uncertain significance for Activated PI3K-delta syndrome. Last evaluated: 2025-06-18. Review status: criteria provided, single submitter. Criteria: Invitae Variant Classification Sherloc (09022015). Collection method: clinical testing. Allele origin: germline.
Comment: This sequence change replaces arginine, which is basic and polar, with glutamine, which is neutral and polar, at codon 902 of the PIK3CD protein (p.Arg902Gln). This variant is present in population databases (rs202142608, gnomAD 0.003%). This variant has not been reported in the literature in individuals affected with PIK3CD-related conditions. ClinVar contains an entry for this variant (Variation ID: 1522290). Invitae Evidence Modeling of protein sequence and biophysical properties (such as structural, functional, and spatial information, amino acid conservation, physicochemical variation, residue mobility, and thermodynamic stability) indicates that this missense variant is not expected to disrupt PIK3CD protein function with a negative predictive value of 80%. In summary, the available evidence is currently insufficient to determine the role of this variant in disease. Therefore, it has been classified as a Variant of Uncertain Significance.

PreventionGenetics, part of Exact Sciences
Classification: Uncertain significance for PIK3CD-related condition. Last evaluated: 2023-06-23. Review status: criteria provided, single submitter. Criteria: ACMG Guidelines, 2015. Collection method: clinical testing. Allele origin: germline.
Comment: The PIK3CD c.2705G>A variant is predicted to result in the amino acid substitution p.Arg902Gln. To our knowledge, this variant has not been reported in the literature. This variant is reported in 0.0033% of alleles in individuals of South Asian descent in gnomAD. At this time, the clinical significance of this variant is uncertain due to the absence of conclusive functional and genetic evidence.